The following is an entry in ClinVar:

ClinVar aggregate classification (germline): Uncertain significance (1 of 4 stars; one submission).

Conditions:
Charcot-Marie-Tooth disease axonal type 2Z. Also called: CHARCOT-MARIE-TOOTH DISEASE, AXONAL, AUTOSOMAL DOMINANT, TYPE 2Z; CHARCOT-MARIE-TOOTH NEUROPATHY, TYPE 2Z. Identifiers: Orphanet 466768, MedGen C5569025, MONDO:0014736, OMIM 616688.

Submission:

Labcorp Genetics (formerly Invitae), Labcorp
Classification: Uncertain significance for Charcot-Marie-Tooth disease axonal type 2Z. Last evaluated: 2022-02-21. Review status: criteria provided, single submitter. Criteria: Invitae Variant Classification Sherloc (09022015). Collection method: clinical testing. Allele origin: germline.
Comment: Advanced modeling of protein sequence and biophysical properties (such as structural, functional, and spatial information, amino acid conservation, physicochemical variation, residue mobility, and thermodynamic stability) performed at Invitae indicates that this missense variant is expected to disrupt MORC2 protein function. This variant has not been reported in the literature in individuals affected with MORC2-related conditions. This variant is not present in population databases (gnomAD no frequency). This sequence change replaces leucine, which is neutral and non-polar, with valine, which is neutral and non-polar, at codon 147 of the MORC2 protein (p.Leu147Val). In summary, the available evidence is currently insufficient to determine the role of this variant in disease. Therefore, it has been classified as a Variant of Uncertain Significance.

NM_001303256.3(MORC2):c.439C>G (p.Leu147Val)

Gene: MORC2 (MORC family CW-type zinc finger 2; minus strand). Cytogenetic location: 22q12.2.
Variant type: single nucleotide variant.
Coding change: c.439C>G on transcript NM_001303256.3 (MANE Select); coding-DNA position 439, C replaced by G.
Protein change: p.Leu147Val; replaces leucine 147 with valine.
Molecular consequence: missense variant.
Genome position (GRCh38, 1-based): chr22:30,942,259, G>C on the plus strand (C>G on the coding strand, the complement: MORC2 is on the minus strand). VCF-style: chr22-30942259-G-C. GRCh37 (hg19) VCF-style: chr22-31338246-G-C.
Other names: c.439C>G, p.Leu147Val (NM_001303257.2); c.253C>G, p.Leu85Val (NM_014941.3); short protein forms L147V, L85V.
Identifiers: ClinVar variation 1901953 (VCV001901953.5), dbSNP rs201480430, ClinGen allele CA411244108.